The following is an entry in ClinVar:

NM_000414.4(HSD17B4):c.220+3A>G

Gene: HSD17B4 (hydroxysteroid 17-beta dehydrogenase 4; plus strand). Cytogenetic location: 5q23.1.
Variant type: single nucleotide variant.
Coding change: c.220+3A>G on transcript NM_000414.4 (MANE Select); 3 bases into the intron after coding-DNA position 220, A replaced by G.
Molecular consequence: intron variant. On other transcripts: 5 prime UTR variant (2).
Genome position (GRCh38, 1-based): chr5:119,474,018, A>G. VCF-style: chr5-119474018-A-G. GRCh37 (hg19) VCF-style: chr5-118809713-A-G.
Other names: c.-194A>G (NM_001374502.1, NM_001374503.1); c.295+3A>G (NM_001199291.3); c.-61+3A>G (NM_001374499.1); c.-319+3A>G (NM_001374500.1); c.-192+3A>G (NM_001374501.1, NM_001292028.2); c.148+3A>G (NM_001292027.2); c.220+3A>G (NM_001374498.1, NM_001374497.1); c.166+3A>G (NM_001199292.2).
Identifiers: ClinVar variation 1399002 (VCV001399002.6), dbSNP rs759069970, ClinGen allele CA3381715.

ClinVar aggregate classification (germline): Uncertain significance (1 of 4 stars; one submission).

Conditions:
Bifunctional peroxisomal enzyme deficiency (DBIF). Also called: DBP DEFICIENCY; PBFE DEFICIENCY; D-bifunctional protein deficiency. Identifiers: Orphanet 300, MedGen C0342870, MONDO:0009855, OMIM 261515. Disease mechanism: loss of function.
Perrault syndrome. Also called: Gonadal dysgenesis with auditory dysfunction, autosomal recessive inheritance. Identifiers: Orphanet 2855, MedGen C0685838, MONDO:0017312.

Allele frequency attached by ClinVar (database versions not stated): ExAC 0.00001; gnomAD 0.00001; gnomAD exomes 0.00001.
gnomAD v4.1: 13 of 1,457,642 alleles (0.00089%); highest among the groups gnomAD compares: South Asian, 0.0046%; no homozygotes.

Submission:

Labcorp Genetics (formerly Invitae), Labcorp
Classification: Uncertain significance for Perrault syndrome; Bifunctional peroxisomal enzyme deficiency. Last evaluated: 2024-10-30. Review status: criteria provided, single submitter. Criteria: Invitae Variant Classification Sherloc (09022015). Collection method: clinical testing. Allele origin: germline.
Comment: This sequence change falls in intron 3 of the HSD17B4 gene. It does not directly change the encoded amino acid sequence of the HSD17B4 protein. It affects a nucleotide within the consensus splice site. This variant is present in population databases (rs759069970, gnomAD 0.007%). This variant has not been reported in the literature in individuals affected with HSD17B4-related conditions. ClinVar contains an entry for this variant (Variation ID: 1399002). Variants that disrupt the consensus splice site are a relatively common cause of aberrant splicing (PMID: 17576681, 9536098). Algorithms developed to predict the effect of sequence changes on RNA splicing suggest that this variant may disrupt the consensus splice site. In summary, the available evidence is currently insufficient to determine the role of this variant in disease. Therefore, it has been classified as a Variant of Uncertain Significance.

Literature cited by the submitters: PubMed 17576681; PubMed 9536098.